The following is an entry in ClinVar:

ClinVar aggregate classification (germline): Uncertain significance (1 of 4 stars; one submission).

Conditions:
Kufor-Rakeb syndrome (KRS). Also called: PARKINSON DISEASE 9, AUTOSOMAL RECESSIVE, JUVENILE-ONSET. Identifiers: Orphanet 306674, Orphanet 314632, MedGen C1847640, MONDO:0011706, OMIM 606693.

Allele frequency attached by ClinVar (database versions not stated): ExAC 0.00001; gnomAD exomes 0.00002 and 0.00011; gnomAD 0.00003; TOPMed 0.00003; ESP Exome Variant Server 0.00008.

Submission:

CeGaT Center for Human Genetics Tuebingen
Classification: Uncertain significance. Last evaluated: 2017-04-01. Review status: criteria provided, single submitter. Criteria: CeGaT Center For Human Genetics Tuebingen Variant Classification Criteria Version 2. Collection method: clinical testing. Allele origin: germline. Affected: yes. Observed: 1 variant allele.

NM_022089.4(ATP13A2):c.*24C>T

Gene: ATP13A2 (ATPase cation transporting 13A2; minus strand). Cytogenetic location: 1p36.13.
Variant type: single nucleotide variant.
Coding change: c.*24C>T on transcript NM_022089.4 (MANE Select); 24 bases downstream of the stop codon, C replaced by T.
Molecular consequence: 3 prime UTR variant. On other transcripts: missense variant (1).
Genome position (GRCh38, 1-based): chr1:16,986,197, G>A on the plus strand (C>T on the coding strand, the complement: ATP13A2 is on the minus strand). VCF-style: chr1-16986197-G-A. GRCh37 (hg19) VCF-style: chr1-17312692-G-A.
Other names: c.*24C>T (NM_001141973.3); c.3265C>T, p.His1089Tyr (NM_001141974.3); short protein forms H1089Y.
Identifiers: ClinVar variation 441003 (VCV000441003.44), dbSNP rs375521810, ClinGen allele CA636448.